The following is an entry in ClinVar:

NM_001365276.2(TNXB):c.6779T>C (p.Met2260Thr)

Gene: TNXB (tenascin XB; minus strand). Cytogenetic location: 6p21.33.
Variant type: single nucleotide variant.
Coding change: c.6779T>C on transcript NM_001365276.2 (MANE Select); coding-DNA position 6779, T replaced by C.
Protein change: p.Met2260Thr; replaces methionine 2260 with threonine.
Molecular consequence: missense variant.
Genome position (GRCh38, 1-based): chr6:32,064,883, A>G on the plus strand (T>C on the coding strand, the complement: TNXB is on the minus strand). VCF-style: chr6-32064883-A-G. GRCh37 (hg19) VCF-style: chr6-32032660-A-G.
Other names: c.7520T>C, p.Met2507Thr (NM_001428335.1); c.6779T>C, p.Met2260Thr (NM_019105.8); short protein forms M2260T, M2507T.
Identifiers: ClinVar variation 3354860 (VCV003354860.2).
Genomic context (GRCh38, chr6:32,064,883, plus strand): 5'-GTTAAACCAACAGCAGACACGGGGCCCACGCGCTGGCCACCGTGGAAGCCGTACAGGTTC[A>G]TCTTGTACTTGTGGTCTGGCTCCAGGCCCGAGATGGTGACCCCATCCTCGTGTCCCGGCA-3'
Protein context (NP_001352205.1, residues 2250-2270): SGLEPDHKYK[Met2260Thr]NLYGFHGGQR

ClinVar aggregate classification (germline): Uncertain significance. Review status: criteria provided, single submitter (1 of 4 stars). 2 submissions from 2 submitters: Uncertain significance (1). 1 of the submissions does not count toward it. Last evaluated 2024-04-02.

Conditions:
TNXB-related disorder. Also called: TNXB-related condition.
Ehlers-Danlos syndrome due to tenascin-X deficiency (EDSCLL1). Also called: EHLERS-DANLOS SYNDROME, CLASSIC-LIKE; Ehlers-Danlos syndrome, classic-like, 1; EDS DUE TO TNX DEFICIENCY; TNXB-Related Classical-Like Ehlers-Danlos Syndrome; TNX DEFICIENCY. Identifiers: Orphanet 230839, MedGen C1848029, MONDO:0011670, OMIM 606408.
Vesicoureteral reflux 8 (VUR8). Identifiers: Orphanet 289365, MedGen C4014831, MONDO:0014422, OMIM 615963.

gnomAD v4.1: 5 of 1,612,634 alleles (0.00031%); highest among the groups gnomAD compares: Non-Finnish European, 0.00042%; no homozygotes.

Submissions (2):

Fulgent Genetics
Classification: Uncertain significance for Ehlers-Danlos syndrome due to tenascin-X deficiency; Vesicoureteral reflux 8. Last evaluated: 2024-04-02. Review status: criteria provided, single submitter. Criteria: ACMG Guidelines, 2015. Collection method: clinical testing. Allele origin: germline.

PreventionGenetics, part of Exact Sciences
Classification: Uncertain significance for TNXB-related condition. Last evaluated: 2024-05-06. Review status: no assertion criteria provided. Collection method: clinical testing. Allele origin: germline. Not counted in ClinVar's aggregate classification.
Comment: The TNXB c.6779T>C variant is predicted to result in the amino acid substitution p.Met2260Thr. To our knowledge, this variant has not been reported in the literature or in a large population database, indicating this variant is rare. At this time, the clinical significance of this variant is uncertain due to the absence of conclusive functional and genetic evidence.